The following is an entry in ClinVar:

NM_001375808.2(LPIN2):c.2353A>G (p.Lys785Glu)

Gene: LPIN2 (lipin 2; minus strand). Cytogenetic location: 18p11.31.
Variant type: single nucleotide variant.
Coding change: c.2353A>G on transcript NM_001375808.2 (MANE Select); coding-DNA position 2353, A replaced by G.
Protein change: p.Lys785Glu; replaces lysine 785 with glutamic acid.
Molecular consequence: missense variant.
Genome position (GRCh38, 1-based): chr18:2,921,622, T>C on the plus strand (A>G on the coding strand, the complement: LPIN2 is on the minus strand). VCF-style: chr18-2921622-T-C. GRCh37 (hg19) VCF-style: chr18-2921620-T-C.
Other names: c.2353A>G, p.Lys785Glu (NM_001375809.1, NM_014646.2); short protein forms K785E.
Identifiers: ClinVar variation 2779125 (VCV002779125.3), dbSNP rs2510240987, ClinGen allele CA401696046.

ClinVar aggregate classification (germline): Uncertain significance (1 of 4 stars; one submission).

Conditions:
Majeed syndrome (MJDS). Also called: CHRONIC RECURRENT MULTIFOCAL OSTEOMYELITIS 1, WITH CONGENITAL DYSERYTHROPOIETIC ANEMIA, WITH OR WITHOUT NEUTROPHILIC DERMATOSIS; LPIN2-Related Majeed Syndrome. Identifiers: Orphanet 77297, MedGen C1864997, MONDO:0012316, OMIM 609628.

Submission:

Labcorp Genetics (formerly Invitae), Labcorp
Classification: Uncertain significance for Majeed syndrome. Last evaluated: 2023-10-04. Review status: criteria provided, single submitter. Criteria: Invitae Variant Classification Sherloc (09022015). Collection method: clinical testing. Allele origin: germline.
Comment: This sequence change replaces lysine, which is basic and polar, with glutamic acid, which is acidic and polar, at codon 785 of the LPIN2 protein (p.Lys785Glu). This variant is not present in population databases (gnomAD no frequency). This variant has not been reported in the literature in individuals affected with LPIN2-related conditions. Advanced modeling of protein sequence and biophysical properties (such as structural, functional, and spatial information, amino acid conservation, physicochemical variation, residue mobility, and thermodynamic stability) performed at Invitae indicates that this missense variant is not expected to disrupt LPIN2 protein function. In summary, the available evidence is currently insufficient to determine the role of this variant in disease. Therefore, it has been classified as a Variant of Uncertain Significance.